The following is an entry in ClinVar:

ClinVar aggregate classification (germline): Benign/Likely benign. Review status: criteria provided, multiple submitters, no conflicts (2 of 4 stars). 3 submissions from 3 submitters: Benign (2); Likely benign (1). Last evaluated 2026-04-01.

Allele frequency attached by ClinVar (database versions not stated): 1000 Genomes Project 30x 0.00125; 1000 Genomes Project 0.00140; gnomAD exomes 0.00170 and 0.00269; ExAC 0.00178; gnomAD 0.00206 and 0.00220; ESP Exome Variant Server 0.00246; TOPMed 0.00268.
gnomAD v4.1: 4,158 of 1,570,982 alleles (0.26%); highest among the groups gnomAD compares: Admixed American, 0.35%; 12 homozygotes.

Submissions (3):

CeGaT Center for Human Genetics Tuebingen
Classification: Likely benign. Last evaluated: 2026-04-01. Review status: criteria provided, single submitter. Criteria: CeGaT Center For Human Genetics Tuebingen Variant Classification Criteria Version 2. Collection method: clinical testing. Allele origin: germline. Affected: yes. Observed: 1 variant allele.
Comment: IFT57: BP4, BP7

Labcorp Genetics (formerly Invitae), Labcorp
Classification: Benign. Last evaluated: 2026-01-21. Review status: criteria provided, single submitter. Criteria: Invitae Variant Classification Sherloc (09022015). Collection method: clinical testing. Allele origin: germline.

Breakthrough Genomics
Classification: Benign. Review status: criteria provided, single submitter. Criteria: ACMG Guidelines, 2015. Collection method: not provided. Allele origin: germline. Inheritance: Autosomal recessive inheritance. Affected: yes.

NM_018010.4(IFT57):c.444T>C (p.Leu148=)

Gene: IFT57 (intraflagellar transport 57; minus strand). Cytogenetic location: 3q13.13.
Variant type: single nucleotide variant.
Coding change: c.444T>C on transcript NM_018010.4 (MANE Select); coding-DNA position 444, T replaced by C.
Protein change: p.Leu148=; no amino-acid change (leucine 148 retained).
Molecular consequence: synonymous variant.
Genome position (GRCh38, 1-based): chr3:108,218,585, A>G on the plus strand (T>C on the coding strand, the complement: IFT57 is on the minus strand). VCF-style: chr3-108218585-A-G. GRCh37 (hg19) VCF-style: chr3-107937432-A-G.
Identifiers: ClinVar variation 718411 (VCV000718411.14), dbSNP rs34760675, ClinGen allele CA2526716.